The following is an entry in ClinVar:

NM_006005.3(WFS1):c.799G>A (p.Asp267Asn)

Gene: WFS1 (wolframin ER transmembrane glycoprotein; plus strand). Cytogenetic location: 4p16.1.
Variant type: single nucleotide variant.
Coding change: c.799G>A on transcript NM_006005.3 (MANE Select); coding-DNA position 799, G replaced by A.
Protein change: p.Asp267Asn; replaces aspartic acid 267 with asparagine.
Molecular consequence: missense variant.
Genome position (GRCh38, 1-based): chr4:6,295,127, G>A. VCF-style: chr4-6295127-G-A. GRCh37 (hg19) VCF-style: chr4-6296854-G-A.
Other names: c.799G>A, p.Asp267Asn (NM_001145853.1); short protein forms D267N.
Identifiers: ClinVar variation 166577 (VCV000166577.61), dbSNP rs145677667, ClinGen allele CA295570.

ClinVar aggregate classification (germline): Conflicting classifications of pathogenicity. Review status: criteria provided, conflicting classifications (1 of 4 stars). 11 submissions from 11 submitters: Uncertain significance (8); Likely benign (1). 2 of the submissions do not count toward it. Last evaluated 2026-07-30.

Conditions:
WFS1-related disorder. Identifiers: MedGen CN379391, MONDO:0700293.
Cataract 41 (CTRCT41). Also called: CATARACT 41, CONGENITAL NUCLEAR TYPE. Identifiers: Orphanet 91492, Orphanet 98991, Orphanet 98992, Orphanet 98995, MedGen C3805412, MONDO:0007287, OMIM 116400.
Type 2 diabetes mellitus. Also called: Type II diabetes mellitus. Identifiers: MedGen C0011860, MeSH D003924, MONDO:0005148, OMIM 125853, HP:0005978.
Wolfram syndrome 1 (WFS1). Identifiers: Orphanet 3463, MedGen C4551693, MONDO:0009101, OMIM 222300.
Wolfram-like syndrome. Also called: HEARING LOSS, PROGRESSIVE, WITH OPTIC ATROPHY AND/OR IMPAIRED GLUCOSE REGULATION. Identifiers: Orphanet 411590, MedGen C3280358, MONDO:0013673, OMIM 614296.
Autosomal dominant nonsyndromic hearing loss 6 (LFSNHL). Also called: DEAFNESS, AUTOSOMAL DOMINANT 6; DEAFNESS, AUTOSOMAL DOMINANT 14; DEAFNESS, AUTOSOMAL DOMINANT 38; Autosomal dominant nonsyndromic deafness 6. Identifiers: Orphanet 90635, MedGen C1833021, MONDO:0010963, OMIM 600965.
Lymphedema. Also called: Lymphoedema. Identifiers: MedGen C0024236, MONDO:0019297, HP:0001004.

Allele frequency attached by ClinVar (database versions not stated): ExAC 0.00018; gnomAD exomes 0.00024 and 0.00043; gnomAD 0.00029 and 0.00031; TOPMed 0.00032; ESP Exome Variant Server 0.00054.

Submissions (11):

GeneDx
Classification: Uncertain significance. Last evaluated: 2026-07-30. Review status: criteria provided, single submitter. Criteria: GeneDx Variant Classification Process June 2021. Collection method: clinical testing. Allele origin: germline.
Comment: Identified in individuals with sensorineural hearing loss in published literature (PMID: 34515852, 26969326); Identified in an individual with vision loss in published literature; a second variant in WFS1 was not identified (PMID: 32483926); In silico analysis suggests that this missense variant does not alter protein structure/function; This variant is associated with the following publications: (PMID: 29529044, 34426522, 33841295, 34515852, 26969326, 32483926)

PreventionGenetics, part of Exact Sciences
Classification: Uncertain significance for WFS1-related condition. Last evaluated: 2026-05-26. Review status: criteria provided, single submitter. Criteria: ACMG Guidelines, 2015. Collection method: clinical testing. Allele origin: germline.
Comment: The WFS1 c.799G>A variant is predicted to result in the amino acid substitution p.Asp267Asn. This variant was reported in an individual with hearing loss in conjunction with a second potentially pathogenic WFS1 variant, although conclusive evidence of pathogenicity was not presented (Sloan-Heggen et al 2016. PubMed ID: 26969326). This variant was also identified as variant of uncertain significance in an individual with retinal and/or optical nerve disorder, however additional information was not provided (Table S12, Diñeiro et al. 2020. PubMed ID: 32483926) and further more it was observed in an individual with optic neuropathy together with a second WFS1 variant that is currently interpreted as likely benign at PreventionGenetics (Charif et al. 2021. PubMed ID: 33841295). This variant is reported in 0.042% of alleles in individuals of European (Non-Finnish) descent in gnomAD, which is likely too common for autosomal dominant disease. In the context of autosomal recessive disorders, at this time, the clinical significance of this variant is uncertain due to the absence of conclusive functional and genetic evidence.

Labcorp Genetics (formerly Invitae), Labcorp
Classification: Likely benign. Last evaluated: 2025-12-31. Review status: criteria provided, single submitter. Criteria: Invitae Variant Classification Sherloc (09022015). Collection method: clinical testing. Allele origin: germline.

Blueprint Genetics
Classification: Uncertain significance. Last evaluated: 2024-11-26. Review status: criteria provided, single submitter. Criteria: ACMG Guidelines, 2015. Collection method: clinical testing. Allele origin: germline.

Fulgent Genetics
Classification: Uncertain significance for Cataract 41; Type 2 diabetes mellitus; Wolfram syndrome 1; Autosomal dominant nonsyndromic hearing loss 6; Wolfram-like syndrome. Last evaluated: 2024-03-22. Review status: criteria provided, single submitter. Criteria: ACMG Guidelines, 2015. Collection method: clinical testing. Allele origin: germline.

Mayo Clinic Laboratories, Mayo Clinic
Classification: Uncertain significance. Last evaluated: 2022-08-14. Review status: criteria provided, single submitter. Criteria: ACMG Guidelines, 2015. Collection method: clinical testing. Allele origin: germline. Observed: 1 variant allele.
Comment: PM2_supporting

CeGaT Center for Human Genetics Tuebingen
Classification: Uncertain significance. Last evaluated: 2021-09-01. Review status: criteria provided, single submitter. Criteria: CeGaT Center For Human Genetics Tuebingen Variant Classification Criteria Version 2. Collection method: clinical testing. Allele origin: germline. Affected: yes. Observed: 1 variant allele.

Cambridge Genomics Laboratory, East Genomic Laboratory Hub, NHS Genomic Medicine Service
Classification: Uncertain significance for Lymphedema. Last evaluated: 2020-02-11. Review status: criteria provided, single submitter. Criteria: ACGS Best Practice Guidelines for Variant Classification in Rare Disease 2020. Collection method: clinical testing. Allele origin: germline. Affected: yes. Observed: 1 variant allele.

Laboratory for Molecular Medicine, Mass General Brigham Personalized Medicine
Classification: Uncertain significance. Last evaluated: 2013-11-03. Review status: criteria provided, single submitter. Criteria: LMM Criteria. Collection method: clinical testing. Allele origin: germline. Observed: 1 variant allele.
Comment: The Asp267Asn variant in WFS1 has not been reported in individuals with hearing loss, but has been identified in 0.07% (6/8600) of European American chromosomes by the NHLBI Exome Sequencing Project (dbSNP rs145677667). Although this variant has been seen in the general population, it s frequency is not high enough to rule out a pathogenic role. Computational ana lyses (biochemical amino acid properties, conservation, AlignGVGD, PolyPhen2, an d SIFT) do not provide strong support for or against an impact to the protein. I n summary, additional data is needed to determine the clinical significance of t his variant.

Joint Genome Diagnostic Labs from Nijmegen and Maastricht, Radboudumc and MUMC+
Classification: Uncertain significance. Review status: no assertion criteria provided. Collection method: clinical testing. Allele origin: germline. Affected: yes. Study: VKGL Data-share Consensus. Not counted in ClinVar's aggregate classification.

Laboratory of Diagnostic Genome Analysis, Leiden University Medical Center (LUMC)
Classification: Uncertain significance. Review status: no assertion criteria provided. Collection method: clinical testing. Allele origin: germline. Affected: yes. Study: VKGL Data-share Consensus. Not counted in ClinVar's aggregate classification.

Literature cited by the submitters: PubMed 26969326 (cited by Mayo Clinic Laboratories, Mayo Clinic).